The following is an entry in ClinVar:

NM_001257180.2(SLC20A2):c.1586A>C (p.Glu529Ala)

Gene: SLC20A2 (solute carrier family 20 member 2; minus strand). Cytogenetic location: 8p11.21.
Variant type: single nucleotide variant.
Coding change: c.1586A>C on transcript NM_001257180.2 (MANE Select); coding-DNA position 1586, A replaced by C.
Protein change: p.Glu529Ala; replaces glutamic acid 529 with alanine.
Molecular consequence: missense variant.
Genome position (GRCh38, 1-based): chr8:42,430,187, T>G on the plus strand (A>C on the coding strand, the complement: SLC20A2 is on the minus strand). VCF-style: chr8-42430187-T-G. GRCh37 (hg19) VCF-style: chr8-42287705-T-G.
Other names: c.1586A>C, p.Glu529Ala (NM_001257181.2, NM_006749.5); short protein forms E529A.
Identifiers: ClinVar variation 2042868 (VCV002042868.4), dbSNP rs1281873500, ClinGen allele CA371096062.

ClinVar aggregate classification (germline): Uncertain significance (1 of 4 stars; one submission).

Allele frequency attached by ClinVar (database versions not stated): gnomAD exomes below 0.00001; TOPMed 0.00001.
gnomAD v4.1: 1 of 1,614,040 alleles (0.000062%); highest among the groups gnomAD compares: Admixed American, 0.0017%; no homozygotes.

Submission:

Labcorp Genetics (formerly Invitae), Labcorp
Classification: Uncertain significance. Last evaluated: 2025-07-25. Review status: criteria provided, single submitter. Criteria: Invitae Variant Classification Sherloc (09022015). Collection method: clinical testing. Allele origin: germline.
Comment: This sequence change replaces glutamic acid, which is acidic and polar, with alanine, which is neutral and non-polar, at codon 529 of the SLC20A2 protein (p.Glu529Ala). This variant is present in population databases (no rsID available, gnomAD 0.003%). This variant has not been reported in the literature in individuals affected with SLC20A2-related conditions. ClinVar contains an entry for this variant (Variation ID: 2042868). Invitae Evidence Modeling of protein sequence and biophysical properties (such as structural, functional, and spatial information, amino acid conservation, physicochemical variation, residue mobility, and thermodynamic stability) indicates that this missense variant is not expected to disrupt SLC20A2 protein function with a negative predictive value of 95%. In summary, the available evidence is currently insufficient to determine the role of this variant in disease. Therefore, it has been classified as a Variant of Uncertain Significance.